The following is an entry in ClinVar:

NM_198252.3(GSN):c.700G>A (p.Glu234Lys)

Gene: GSN (gelsolin; plus strand). Cytogenetic location: 9q33.2.
Variant type: single nucleotide variant.
Coding change: c.700G>A on transcript NM_198252.3 (MANE Select); coding-DNA position 700, G replaced by A.
Protein change: p.Glu234Lys; replaces glutamic acid 234 with lysine.
Molecular consequence: missense variant.
Genome position (GRCh38, 1-based): chr9:121,313,970, G>A. VCF-style: chr9-121313970-G-A. GRCh37 (hg19) VCF-style: chr9-124076248-G-A.
Other names: c.853G>A, p.Glu285Lys (NM_000177.5); c.700G>A, p.Glu234Lys (NM_001127662.2, NM_001127664.2, NM_001127665.2 and 10 more transcripts); c.808G>A, p.Glu270Lys (NM_001127663.2); c.733G>A, p.Glu245Lys (NM_001127666.2, NM_001127667.2, NM_001353063.2 and 13 more transcripts); c.751G>A, p.Glu251Lys (NM_001258029.2); c.724G>A, p.Glu242Lys (NM_001258030.2); c.772G>A, p.Glu258Lys (NM_001353076.2); c.46G>A, p.Glu16Lys (NM_001353078.2); short protein forms E258K, E285K, E242K, E16K, E245K, E251K, E270K, E234K.
Identifiers: ClinVar variation 1406799 (VCV001406799.8), dbSNP rs779305948, ClinGen allele CA5220999.

ClinVar aggregate classification (germline): Uncertain significance. Review status: criteria provided, multiple submitters, no conflicts (2 of 4 stars). 2 submissions from 2 submitters: Uncertain significance (2). Last evaluated 2024-11-18.

Conditions:
Inborn genetic diseases. Identifiers: MedGen C0950123, MeSH D030342.

Allele frequency attached by ClinVar (database versions not stated): TOPMed 0.00002; ExAC 0.00003; gnomAD exomes 0.00004; gnomAD 0.00001.
gnomAD v4.1: 54 of 1,614,048 alleles (0.0033%); highest among the groups gnomAD compares: Non-Finnish European, 0.0042%; no homozygotes.

Submissions (2):

Labcorp Genetics (formerly Invitae), Labcorp
Classification: Uncertain significance. Last evaluated: 2024-11-18. Review status: criteria provided, single submitter. Criteria: Invitae Variant Classification Sherloc (09022015). Collection method: clinical testing. Allele origin: germline.
Comment: This sequence change replaces glutamic acid, which is acidic and polar, with lysine, which is basic and polar, at codon 285 of the GSN protein (p.Glu285Lys). This variant is present in population databases (rs779305948, gnomAD 0.01%). This variant has not been reported in the literature in individuals affected with GSN-related conditions. ClinVar contains an entry for this variant (Variation ID: 1406799). Invitae Evidence Modeling of protein sequence and biophysical properties (such as structural, functional, and spatial information, amino acid conservation, physicochemical variation, residue mobility, and thermodynamic stability) indicates that this missense variant is not expected to disrupt GSN protein function with a negative predictive value of 80%. In summary, the available evidence is currently insufficient to determine the role of this variant in disease. Therefore, it has been classified as a Variant of Uncertain Significance.

Ambry Genetics
Classification: Uncertain significance for Inborn genetic diseases. Last evaluated: 2021-07-14. Review status: criteria provided, single submitter. Criteria: Ambry Variant Classification Scheme 2023. Collection method: clinical testing. Allele origin: germline.
Comment: The p.E285K variant (also known as c.853G>A), located in coding exon 6 of the GSN gene, results from a G to A substitution at nucleotide position 853. The glutamic acid at codon 285 is replaced by lysine, an amino acid with similar properties. This amino acid position is conserved. In addition, this alteration is predicted to be tolerated by in silico analysis. Since supporting evidence is limited at this time, the clinical significance of this alteration remains unclear.